The following is an entry in ClinVar:

NM_000154.2(GALK1):c.768_769dup (p.Glu257fs)

Gene: GALK1 (galactokinase 1; minus strand). Cytogenetic location: 17q25.1.
Variant type: Duplication.
Coding change: c.768_769dup on transcript NM_000154.2 (MANE Select); coding-DNA positions 768 to 769, 2 bases duplicated (GG; older notation c.768_769dupGG).
Protein change: p.Glu257fs; shifts the reading frame from glutamic acid 257.
Molecular consequence: frameshift variant.
Genome position (GRCh38, 1-based): chr17:75,762,728-75,762,729, CC duplicated on the plus strand (GG on the coding strand, the reverse complement: GALK1 is on the minus strand); duplicating any 2 consecutive bases within chr17:75,762,728-75,762,730 gives the same sequence; the c. name uses the placement nearest the transcript's 3' end. VCF-style (leftmost placement, unchanged base first): chr17-75762727-T-TCC. GRCh37 (hg19) VCF-style: chr17-73758808-T-TCC.
Other names: c.768_769dup, p.Glu257fs (NM_001381985.1); short protein forms E257fs.
Identifiers: ClinVar variation 1456032 (VCV001456032.6), dbSNP rs2143601360, ClinGen allele CA2573154905.

ClinVar aggregate classification (germline): Pathogenic (1 of 4 stars; one submission).

Conditions:
Deficiency of galactokinase. Also called: Galactokinase deficiency with cataracts; GALACTOSEMIA II. Identifiers: Orphanet 352, Orphanet 79237, MedGen C0268155, MONDO:0009255, OMIM 230200.

Submission:

Labcorp Genetics (formerly Invitae), Labcorp
Classification: Pathogenic for Deficiency of galactokinase. Last evaluated: 2020-11-15. Review status: criteria provided, single submitter. Criteria: Invitae Variant Classification Sherloc (09022015). Collection method: clinical testing. Allele origin: germline.
Comment: For these reasons, this variant has been classified as Pathogenic. This sequence change creates a premature translational stop signal (p.Glu257Glyfs*8) in the GALK1 gene. It is expected to result in an absent or disrupted protein product. Loss-of-function variants in GALK1 are known to be pathogenic (PMID: 7670469, 10790206). This variant is not present in population databases (ExAC no frequency). This variant has not been reported in the literature in individuals with GALK1-related conditions.

Literature cited by the submitters: PubMed 7670469; PubMed 10790206.